The following is an entry in ClinVar:

NM_000059.4(BRCA2):c.7581AGG[1] (p.Gly2529del)

Gene: BRCA2 (BRCA2 DNA repair associated; plus strand). Cytogenetic location: 13q13.1.
Variant type: Microsatellite.
Coding change: c.7581AGG[1] on transcript NM_000059.4 (MANE Select); one copy of the 3-base unit AGG starting at c.7581; the reference has two copies in a row; one copy, 3 bases deleted.
Protein change: p.Gly2529del; deletes glycine 2529.
Molecular consequence: inframe deletion.
Genome position (GRCh38, 1-based): chr13:32,356,576-32,356,578, AGG deleted; deleting any 3 consecutive bases within chr13:32,356,573-32,356,578 gives the same sequence; the position shown is the placement nearest the transcript's 3' end. VCF-style (leftmost placement, unchanged base first): chr13-32356572-TAGG-T. GRCh37 (hg19) VCF-style: chr13-32930709-TAGG-T.
Other names: short protein forms G2529del.
Identifiers: ClinVar variation 1464114 (VCV001464114.10), dbSNP rs2137563288, ClinGen allele CA2573130315.
Genomic context (GRCh38, chr13:32,356,572, plus strand): 5'-CAGGCAGTCTGTATCTTGCAAAAACATCCACTCTGCCTCGAATCTCTCTGAAAGCAGCAG[TAGG>T]AGGCCAAGTTCCCTCTGCGTGTTCTCATAAACAGGTATGTGTTTGTCTACAATACTGATG-3'

ClinVar aggregate classification (germline): Uncertain significance. Review status: criteria provided, multiple submitters, no conflicts (2 of 4 stars). 2 submissions from 2 submitters: Uncertain significance (2). Last evaluated 2023-07-16.

Conditions:
Hereditary breast ovarian cancer syndrome. Also called: Hereditary breast and ovarian cancer; Breast and ovarian cancer; BRCA1- and BRCA2-Associated Hereditary Breast and Ovarian Cancer; Hereditary breast and/or ovarian cancer syndrome; Hereditary breast and ovarian cancer syndrome; Hereditary breast and ovarian cancer syndrome (HBOC). Identifiers: Orphanet 145, MedGen C0677776, MeSH D061325, MONDO:0003582. Disease mechanism: loss of function.
Hereditary cancer-predisposing syndrome. Also called: Tumor predisposition; Hereditary neoplastic syndrome; Hereditary Cancer Syndrome; Neoplastic Syndromes, Hereditary. Identifiers: Orphanet 140162, MedGen C0027672, MeSH D009386, MONDO:0015356.

Submissions (2):

Labcorp Genetics (formerly Invitae), Labcorp
Classification: Uncertain significance for Hereditary breast ovarian cancer syndrome. Last evaluated: 2023-07-16. Review status: criteria provided, single submitter. Criteria: Invitae Variant Classification Sherloc (09022015). Collection method: clinical testing. Allele origin: germline.
Comment: Experimental studies and prediction algorithms are not available or were not evaluated, and the functional significance of this variant is currently unknown. ClinVar contains an entry for this variant (Variation ID: 1464114). This variant has not been reported in the literature in individuals affected with BRCA2-related conditions. This variant is not present in population databases (gnomAD no frequency). This variant, c.7584_7586del, results in the deletion of 1 amino acid(s) of the BRCA2 protein (p.Gly2529del), but otherwise preserves the integrity of the reading frame. In summary, the available evidence is currently insufficient to determine the role of this variant in disease. Therefore, it has been classified as a Variant of Uncertain Significance.

Ambry Genetics
Classification: Uncertain significance for Hereditary cancer-predisposing syndrome. Last evaluated: 2022-05-23. Review status: criteria provided, single submitter. Criteria: Ambry Variant Classification Scheme 2023. Collection method: clinical testing. Allele origin: germline.
Comment: The c.7584_7586delAGG variant (also known as p.G2529del) is located in coding exon 14 of the BRCA2 gene. This variant results from an in-frame AGG deletion at nucleotide positions 7584 to 7586. This results in the in-frame deletion of a glycine at codon 2529. This amino acid position is not well conserved in available vertebrate species. Since supporting evidence is limited at this time, the clinical significance of this alteration remains unclear.